The following is an entry in ClinVar:

NM_002016.2(FLG):c.10204C>T (p.Arg3402Trp)

Genes: CCDST (cervical cancer associated DHX9 suppressive transcript; plus strand), FLG (filaggrin; minus strand). Cytogenetic location: 1q21.3.
Variant type: single nucleotide variant.
Coding change: c.10204C>T on transcript NM_002016.2 (MANE Select); coding-DNA position 10204, C replaced by T.
Protein change: p.Arg3402Trp; replaces arginine 3402 with tryptophan.
Molecular consequence: missense variant.
Genome position (GRCh38, 1-based): chr1:152,304,682, G>A on the plus strand (C>T on the coding strand, the complement: FLG is on the minus strand). VCF-style: chr1-152304682-G-A. GRCh37 (hg19) VCF-style: chr1-152277158-G-A.
Other names: short protein forms R3402W.
Identifiers: ClinVar variation 2639238 (VCV002639238.24), dbSNP rs141655789, ClinGen allele CA1103479.

ClinVar aggregate classification (germline): Likely benign (1 of 4 stars; one submission).

Allele frequency attached by ClinVar (database versions not stated): gnomAD 0.00025; ESP Exome Variant Server 0.00054; 1000 Genomes Project 0.00060; 1000 Genomes Project 30x 0.00094.
gnomAD v4.1: 315 of 1,612,190 alleles (0.02%); highest among the groups gnomAD compares: African/African-American, 0.075%; 3 homozygotes.

Submission:

CeGaT Center for Human Genetics Tuebingen
Classification: Likely benign. Last evaluated: 2023-12-01. Review status: criteria provided, single submitter. Criteria: CeGaT Center For Human Genetics Tuebingen Variant Classification Criteria Version 2. Collection method: clinical testing. Allele origin: germline. Affected: yes. Observed: 1 variant allele.
Comment: FLG: BP4